The following is an entry in ClinVar:

ClinVar aggregate classification (germline): Pathogenic (1 of 4 stars; one submission).

Submission:

ISCA site 15
Classification: Pathogenic. Last evaluated: 2011-08-12. Review status: criteria provided, single submitter. Criteria: Kaminsky et al. (Genet Med. 2011). Collection method: clinical testing. Allele origin: de novo. Affected: yes. Observed: 1 variant allele.
Comment: Copy number variation identified through the course of routine clinical cytogenomic testing in postnatal populations. Clinical assertions have been curated as described in Kaminsky et al. 2011.

GRCh38/hg38 16q24.2-24.3(chr16:87306529-89269079)x1

Genes: ACSF3 (acyl-CoA synthetase family member 3; plus strand), CYBA (cytochrome b-245 alpha chain; minus strand), ANKRD11 (ankyrin repeat domain containing 11; minus strand), APRT (adenine phosphoribosyltransferase; minus strand), BANP (BTG3 associated nuclear protein; plus strand) and 194 more. Cytogenetic location: 16q24.2-24.3.
Variant type: copy number loss.
Change: copy number 1 (one copy instead of two) of chr16:87,306,529-89,269,079 (1.96 Mb, GRCh38 coordinates, 1-based), cytogenetic band 16q24.2-24.3.
Identifiers: ClinVar variation 59520 (VCV000059520.1).